The following is an entry in ClinVar:

NM_001283009.2(RTEL1):c.2026-1G>T

Genes: RTEL1 (regulator of telomere elongation helicase 1; plus strand), RTEL1-TNFRSF6B (RTEL1-TNFRSF6B readthrough (NMD candidate); plus strand). Cytogenetic location: 20q13.33.
Variant type: single nucleotide variant.
Coding change: c.2026-1G>T on transcript NM_001283009.2 (MANE Select); the canonical splice acceptor site of the intron before coding-DNA position 2026, G replaced by T.
Molecular consequence: splice acceptor variant.
Genome position (GRCh38, 1-based): chr20:63,689,749, G>T. VCF-style: chr20-63689749-G-T. GRCh37 (hg19) VCF-style: chr20-62321102-G-T.
Other names: c.1357-1G>T (NM_001283010.1); c.2098-1G>T (NM_032957.5); c.2026-1G>T (NM_016434.4).
Identifiers: ClinVar variation 3752149 (VCV003752149.2).

ClinVar aggregate classification (germline): Likely pathogenic (1 of 4 stars; one submission).

Conditions:
Pulmonary fibrosis and/or bone marrow failure, Telomere-related, 3. Also called: PULMONARY FIBROSIS AND/OR BONE MARROW FAILURE SYNDROME, TELOMERE-RELATED, 3. Identifiers: Orphanet 2032, MedGen C4225346, MONDO:0014613, OMIM 616373.
Dyskeratosis congenita, autosomal recessive 5 (DKCB5). Identifiers: MedGen C3554656, MONDO:0014076, OMIM 615190.

Submission:

Labcorp Genetics (formerly Invitae), Labcorp
Classification: Likely pathogenic for Dyskeratosis congenita, autosomal recessive 5; Pulmonary fibrosis and/or bone marrow failure, Telomere-related, 3. Last evaluated: 2024-02-09. Review status: criteria provided, single submitter. Criteria: Invitae Variant Classification Sherloc (09022015). Collection method: clinical testing. Allele origin: germline.
Comment: This sequence change affects an acceptor splice site in intron 23 of the RTEL1 gene. It is expected to disrupt RNA splicing. Variants that disrupt the donor or acceptor splice site typically lead to a loss of protein function (PMID: 16199547), and loss-of-function variants in RTEL1 are known to be pathogenic (PMID: 23453664, 23959892, 25607374). This variant is not present in population databases (gnomAD no frequency). This variant has not been reported in the literature in individuals affected with RTEL1-related conditions. Algorithms developed to predict the effect of sequence changes on RNA splicing suggest that this variant may disrupt the consensus splice site. In summary, the currently available evidence indicates that the variant is pathogenic, but additional data are needed to prove that conclusively. Therefore, this variant has been classified as Likely Pathogenic.

Literature cited by the submitters: PubMed 16199547; PubMed 23453664; PubMed 23959892; PubMed 25607374.